The following is an entry in ClinVar:

ClinVar aggregate classification (germline): Pathogenic/Likely pathogenic. Review status: criteria provided, multiple submitters, no conflicts (2 of 4 stars). 4 submissions from 4 submitters: Pathogenic (3); Likely pathogenic (1). Last evaluated 2026-02-20.

Conditions:
Optic neuropathy. Also called: Optic nerve disorder. Identifiers: MedGen C3887709, MONDO:0002135, HP:0001138.

Submissions (4):

Genetics Laboratory, Great Ormond Street Hospital NHS Foundation Trust, North Thames Genomic Laboratory Hub
Classification: Pathogenic for Optic neuropathy. Last evaluated: 2026-02-20. Review status: criteria provided, single submitter. Criteria: ACGS Best Practice Guidelines for Variant Classification in Rare Disease 2024 v1.2. Collection method: clinical testing. Allele origin: germline. Affected: yes.
Comment: PS4_supporting, PM2_moderate, PVS1_very-strong

CeGaT Center for Human Genetics Tuebingen
Classification: Pathogenic. Last evaluated: 2025-07-01. Review status: criteria provided, single submitter. Criteria: CeGaT Center For Human Genetics Tuebingen Variant Classification Criteria Version 2. Collection method: clinical testing. Allele origin: germline. Affected: yes. Observed: 2 variant alleles.
Comment: OPA1: PVS1, PM2, PS4:Moderate

Labcorp Genetics (formerly Invitae), Labcorp
Classification: Pathogenic. Last evaluated: 2024-12-02. Review status: criteria provided, single submitter. Criteria: Invitae Variant Classification Sherloc (09022015). Collection method: clinical testing. Allele origin: germline.
Comment: The OPA1 gene has multiple clinically relevant transcripts. This variant occurs in alternate transcript NM_130837.2, and corresponds to NM_015560.2:c.557-668G>A in the primary transcript. This sequence change falls in intron 5 of the OPA1 gene. It does not directly change the encoded amino acid sequence of the OPA1 protein. RNA analysis indicates that this variant induces altered splicing and may result in an absent or disrupted protein product. However, the current clinical and genetic evidence is not sufficient to establish whether loss-of-function variants in this region of OPA1 cause disease. This variant is not present in population databases (gnomAD no frequency). This variant has been observed in individual(s) with autosomal recessive OPA1-related conditions (PMID: 24970096). In at least one individual the data is consistent with being in trans (on the opposite chromosome) from a pathogenic variant. It has also been observed to segregate with disease in related individuals. ClinVar contains an entry for this variant (Variation ID: 496968). Studies have shown that this variant alters OPA1 gene expression (PMID: 24970096). Studies have shown that this variant results in activation of cryptic splice sites and introduces a premature termination codon (PMID: 24970096). The resulting mRNA is expected to undergo nonsense-mediated decay. For these reasons, this variant has been classified as Pathogenic.

Eurofins Ntd Llc (ga)
Classification: Likely pathogenic. Last evaluated: 2017-05-05. Review status: criteria provided, single submitter. Criteria: EGL Classification Definitions 2015. Collection method: clinical testing. Allele origin: germline.

Literature cited by the submitters: PubMed 24970096 (cited by Labcorp Genetics (formerly Invitae), Labcorp and Eurofins Ntd Llc (ga)).

NM_130837.3(OPA1):c.610+364G>A

Gene: OPA1 (OPA1 mitochondrial dynamin like GTPase; plus strand). Cytogenetic location: 3q29.
Variant type: single nucleotide variant.
Coding change: c.610+364G>A on transcript NM_130837.3 (MANE Select); 364 bases into the intron after coding-DNA position 610, G replaced by A.
Molecular consequence: intron variant.
Genome position (GRCh38, 1-based): chr3:193,618,201, G>A. VCF-style: chr3-193618201-G-A. GRCh37 (hg19) VCF-style: chr3-193335990-G-A.
Other names: c.185-668G>A (NM_001354664.2); c.77-668G>A (NM_001354663.2); c.610+364G>A (NM_130834.3); c.557-668G>A (NM_130836.3, NM_015560.3); c.502+364G>A (NM_130835.3, NM_130832.3); c.449-668G>A (NM_130833.3, NM_130831.3).
Identifiers: ClinVar variation 496968 (VCV000496968.50), dbSNP rs983041061, ClinGen allele CA90570018.